The following is an entry in ClinVar:

NM_152490.5(B3GALNT2):c.253dup (p.Ser85fs)

Gene: B3GALNT2 (beta-1,3-N-acetylgalactosaminyltransferase 2; minus strand). Cytogenetic location: 1q42.3.
Variant type: Duplication.
Coding change: c.253dup on transcript NM_152490.5 (MANE Select); coding-DNA position 253, one base duplicated (A; older notation c.253dupA).
Protein change: p.Ser85fs; shifts the reading frame from serine 85.
Molecular consequence: frameshift variant.
Genome position (GRCh38, 1-based): chr1:235,494,688, T duplicated on the plus strand (A on the coding strand, the reverse complement: B3GALNT2 is on the minus strand); the first of 2 consecutive T bases (chr1:235,494,688-235,494,689); duplicating either gives the same sequence. VCF-style (leftmost placement, unchanged base first): chr1-235494687-C-CT. GRCh37 (hg19) VCF-style: chr1-235657997-C-CT.
Other names: c.376dup, p.Ser126fs (NM_001277155.3); short protein forms S85fs, S126fs.
Identifiers: ClinVar variation 3655627 (VCV003655627.2).
Genomic context (GRCh38, chr1:235,494,687, plus strand): 5'-TTTCAGAACTCTTATTTCAATAAACCAGGCAAGGCAACAACTCAGAAAACCTACCGTTGA[C>CT]TTAATGTGGGATGCTGTAGCAAATGTCTCATCCAGGTGCTTCTTATCACGTTTCGAAGTT-3'

ClinVar aggregate classification (germline): Pathogenic (1 of 4 stars; one submission).

Conditions:
Muscular dystrophy-dystroglycanopathy (congenital with brain and eye anomalies), type a, 11 (MDDGA11). Also called: Muscular dystrophy-dystroglycanopathy (congenital with brain and eye anomalies, type A, 11; WALKER-WARBURG SYNDROME OR MUSCLE-EYE-BRAIN DISEASE, B3GALNT2-RELATED; Congenital muscular dystrophy-dystroglycanopathy with brain and eye anomalies, type A11. Identifiers: Orphanet 588, Orphanet 899, MedGen C3554638, MONDO:0014071, OMIM 615181.

Submission:

Labcorp Genetics (formerly Invitae), Labcorp
Classification: Pathogenic for Muscular dystrophy-dystroglycanopathy (congenital with brain and eye anomalies), type a, 11. Last evaluated: 2024-06-10. Review status: criteria provided, single submitter. Criteria: Invitae Variant Classification Sherloc (09022015). Collection method: clinical testing. Allele origin: germline.
Comment: This sequence change creates a premature translational stop signal (p.Ser85Lysfs*16) in the B3GALNT2 gene. It is expected to result in an absent or disrupted protein product. Loss-of-function variants in B3GALNT2 are known to be pathogenic (PMID: 23453667). This variant is not present in population databases (gnomAD no frequency). This variant has not been reported in the literature in individuals affected with B3GALNT2-related conditions. For these reasons, this variant has been classified as Pathogenic.

Literature cited by the submitters: PubMed 23453667.